The following is an entry in ClinVar:

NM_005618.4(DLL1):c.1781C>T (p.Ala594Val)

Gene: DLL1 (delta like canonical Notch ligand 1; minus strand). Cytogenetic location: 6q27.
Variant type: single nucleotide variant.
Coding change: c.1781C>T on transcript NM_005618.4 (MANE Select); coding-DNA position 1781, C replaced by T.
Protein change: p.Ala594Val; replaces alanine 594 with valine.
Molecular consequence: missense variant.
Genome position (GRCh38, 1-based): chr6:170,283,498, G>A on the plus strand (C>T on the coding strand, the complement: DLL1 is on the minus strand). VCF-style: chr6-170283498-G-A. GRCh37 (hg19) VCF-style: chr6-170592586-G-A.
Other names: short protein forms A594V.
Identifiers: ClinVar variation 3728876 (VCV003728876.2).

ClinVar aggregate classification (germline): Uncertain significance (1 of 4 stars; one submission).

Submission:

Labcorp Genetics (formerly Invitae), Labcorp
Classification: Uncertain significance. Last evaluated: 2025-01-12. Review status: criteria provided, single submitter. Criteria: Invitae Variant Classification Sherloc (09022015). Collection method: clinical testing. Allele origin: germline.
Comment: This sequence change replaces alanine, which is neutral and non-polar, with valine, which is neutral and non-polar, at codon 594 of the DLL1 protein (p.Ala594Val). This variant is not present in population databases (gnomAD no frequency). This variant has not been reported in the literature in individuals affected with DLL1-related conditions. An algorithm developed to predict the effect of missense changes on protein structure and function (PolyPhen-2) suggests that this variant is likely to be tolerated. In summary, the available evidence is currently insufficient to determine the role of this variant in disease. Therefore, it has been classified as a Variant of Uncertain Significance.